The following is an entry in ClinVar:

NC_000009.12:g.(?_6606582)_(6606679_?)del

Gene: GLDC (glycine decarboxylase; minus strand). Cytogenetic location: 9p24.1.
Variant type: Deletion.
Identifiers: ClinVar variation 832249 (VCV000832249.8).

ClinVar aggregate classification (germline): Pathogenic (1 of 4 stars; one submission).

Conditions:
Glycine encephalopathy. Also called: Nonketotic hyperglycinemia; Non-ketotic hyperglycinemia. Identifiers: Orphanet 407, MedGen C0751748, MONDO:0011612, HP:0008288.

Submission:

Labcorp Genetics (formerly Invitae), Labcorp
Classification: Pathogenic for Glycine encephalopathy. Last evaluated: 2021-11-06. Review status: criteria provided, single submitter. Criteria: Invitae Variant Classification Sherloc (09022015). Collection method: clinical testing. Allele origin: germline.
Comment: This variant is a gross deletion of the genomic region encompassing exon(s) 5 of the GLDC gene. This variant would be expected to be in-frame, preserving the integrity of the reading frame. A similar copy number variant has been observed in individual(s) with glycine encephalopathy (PMID: 27362913). Experimental studies and prediction algorithms are not available or were not evaluated, and the functional significance of this variant is currently unknown. For these reasons, this variant has been classified as Pathogenic.

Literature cited by the submitters: PubMed 27362913.